The following is an entry in ClinVar:

NM_015057.5(MYCBP2):c.1307T>G (p.Ile436Arg)

Gene: MYCBP2 (MYC binding protein 2; minus strand). Cytogenetic location: 13q22.3.
Variant type: single nucleotide variant.
Coding change: c.1307T>G on transcript NM_015057.5 (MANE Select); coding-DNA position 1307, T replaced by G.
Protein change: p.Ile436Arg; replaces isoleucine 436 with arginine.
Molecular consequence: missense variant.
Genome position (GRCh38, 1-based): chr13:77,267,891, A>C on the plus strand (T>G on the coding strand, the complement: MYCBP2 is on the minus strand). VCF-style: chr13-77267891-A-C. GRCh37 (hg19) VCF-style: chr13-77842026-A-C.
Other names: short protein forms I436R.
Identifiers: ClinVar variation 3781193 (VCV003781193.1).

ClinVar aggregate classification (germline): Uncertain significance (1 of 4 stars; one submission).

Submission:

GeneDx
Classification: Uncertain significance. Last evaluated: 2024-10-15. Review status: criteria provided, single submitter. Criteria: GeneDx Variant Classification Process June 2021. Collection method: clinical testing. Allele origin: germline. Affected: yes.
Comment: Not observed at significant frequency in large population cohorts (gnomAD); In silico analysis indicates that this missense variant does not alter protein structure/function; Has not been previously published as pathogenic or benign to our knowledge